The following is an entry in ClinVar:

NM_206926.2(SELENON):c.-35T>C

Gene: SELENON (selenoprotein N; plus strand). Cytogenetic location: 1p36.11.
Variant type: single nucleotide variant.
Coding change: c.-35T>C on transcript NM_206926.2 (MANE Select); 35 bases upstream of the start codon, T replaced by C.
Molecular consequence: 5 prime UTR variant.
Genome position (GRCh38, 1-based): chr1:25,800,196, T>C. VCF-style: chr1-25800196-T-C. GRCh37 (hg19) VCF-style: chr1-26126687-T-C.
Other names: c.-35T>C (NM_020451.3).
Identifiers: ClinVar variation 261268 (VCV000261268.6), dbSNP rs886038656, ClinGen allele CA10586733.

ClinVar aggregate classification (germline): Conflicting classifications of pathogenicity. Review status: criteria provided, conflicting classifications (1 of 4 stars). 3 submissions from 3 submitters: Uncertain significance (1); Likely benign (2). Last evaluated 2018-01-13.

Conditions:
SEPN1-related disorder. Also called: SEPN1-Related Disorders. Identifiers: MedGen CN239420.

Allele frequency attached by ClinVar (database versions not stated): gnomAD 0.00062 and 0.00066; gnomAD exomes 0.00112; 1000 Genomes Project 30x 0.00016.
gnomAD v4.1: 358 of 387,864 alleles (0.092%); highest among the groups gnomAD compares: Non-Finnish European, 0.11%; no homozygotes.

Submissions (3):

Illumina Laboratory Services, Illumina
Classification: Uncertain significance for SEPN1-Related Disorders. Last evaluated: 2018-01-13. Review status: criteria provided, single submitter. Criteria: ICSL Variant Classification Criteria 13 December 2019. Collection method: clinical testing. Allele origin: germline.

GeneDx
Classification: Likely benign. Last evaluated: 2015-10-29. Review status: criteria provided, single submitter. Criteria: GeneDx Variant Classification (06012015). Collection method: clinical testing. Allele origin: germline. Affected: yes.
Comment: This variant is considered likely benign or benign based on one or more of the following criteria: it is a conservative change, it occurs at a poorly conserved position in the protein, it is predicted to be benign by multiple in silico algorithms, and/or has population frequency not consistent with disease.

PreventionGenetics, part of Exact Sciences
Classification: Likely benign. Review status: criteria provided, single submitter. Criteria: ACMG Guidelines, 2015. Collection method: clinical testing. Allele origin: germline.